The following is an entry in ClinVar:

ClinVar aggregate classification (germline): Pathogenic/Likely pathogenic. Review status: criteria provided, multiple submitters, no conflicts (2 of 4 stars). 8 submissions from 8 submitters: Pathogenic (6); Likely pathogenic (2). Last evaluated 2026-04-01.

Conditions:
Hereditary cancer-predisposing syndrome. Also called: Neoplastic Syndromes, Hereditary; Hereditary Cancer Syndrome; Tumor predisposition; Hereditary neoplastic syndrome. Identifiers: Orphanet 140162, MedGen C0027672, MeSH D009386, MONDO:0015356.
Neurofibromatosis, type 1 (NF1). Also called: Peripheral type neurofibromatosis; Neurofibromatosis, type I; VON RECKLINGHAUSEN DISEASE; NEUROFIBROMATOSIS, TYPE I, SOMATIC. Identifiers: Orphanet 636, MedGen C0027831, MONDO:0018975, OMIM 162200. Disease mechanism: loss of function.
NF1-related disorder. Also called: NF1-related condition. Identifiers: MedGen CN379171.

Submissions (8):

Department of Genetics, Sultan Qaboos University Hospital
Classification: Pathogenic for Neurofibromatosis, type 1. Last evaluated: 2026-04-01. Review status: criteria provided, single submitter. Criteria: ACMG Guidelines, 2015. Collection method: clinical testing. Allele origin: germline. Affected: yes. Observed: 1 variant allele.
Comment: PVS1_Moderate,PM2,PP5_Very_Strong

Labcorp Genetics (formerly Invitae), Labcorp
Classification: Pathogenic for Neurofibromatosis, type 1. Last evaluated: 2025-11-10. Review status: criteria provided, single submitter. Criteria: Invitae Variant Classification Sherloc (09022015). Collection method: clinical testing. Allele origin: germline.
Comment: This sequence change affects a donor splice site in intron 23 of the NF1 gene. It is expected to disrupt RNA splicing. Variants that disrupt the donor or acceptor splice site typically lead to a loss of protein function (PMID: 16199547), and loss-of-function variants in NF1 are known to be pathogenic (PMID: 10712197, 23913538). This variant is not present in population databases (gnomAD no frequency). Disruption of this splice site has been observed in individuals with neurofibromatosis type I (internal data). Invitae Evidence Modeling of clinical and family history, age, sex, and reported ancestry of multiple individuals with this NF1 variant has been performed. This variant is expected to be pathogenic with a positive predictive value of at least 99%. This is a validated machine learning model that incorporates the clinical features of 1,785,918 individuals referred to our laboratory for NF1 testing. ClinVar contains an entry for this variant (Variation ID: 231169). Algorithms developed to predict the effect of sequence changes on RNA splicing suggest that this variant may disrupt the consensus splice site. For these reasons, this variant has been classified as Pathogenic.

NHS Central & South Genomic Laboratory Hub
Classification: Pathogenic for Neurofibromatosis type 1. Last evaluated: 2025-09-25. Review status: criteria provided, single submitter. Criteria: ACMG Guidelines, 2015. Collection method: clinical testing. Allele origin: germline. Affected: yes.

Blueprint Genetics
Classification: Likely pathogenic for NF1-related disorders. Last evaluated: 2024-10-01. Review status: criteria provided, single submitter. Criteria: ACMG Guidelines, 2015. Collection method: clinical testing. Allele origin: germline. Affected: yes. Observed: 1 variant allele.

Genome-Nilou Lab
Classification: Pathogenic for Neurofibromatosis, type 1. Last evaluated: 2022-03-15. Review status: criteria provided, single submitter. Criteria: ACMG Guidelines, 2015. Collection method: clinical testing. Allele origin: germline. Affected: no.

MGZ Medical Genetics Center
Classification: Pathogenic for Neurofibromatosis, type 1. Last evaluated: 2021-12-22. Review status: criteria provided, single submitter. Criteria: ACMG Guidelines, 2015. Collection method: clinical testing. Allele origin: germline. Affected: yes. Observed: 1 variant allele.
Comment: ACMG criteria applied: PVS1, PS4_SUP, PM2_SUP, PP4

Center for Human Genetics, Inc
Classification: Likely pathogenic for Neurofibromatosis, type 1. Last evaluated: 2016-11-01. Review status: criteria provided, single submitter. Criteria: ACMG Guidelines, 2015. Collection method: clinical testing. Allele origin: germline. Affected: yes.

Ambry Genetics
Classification: Pathogenic for Hereditary cancer-predisposing syndrome. Last evaluated: 2015-04-03. Review status: criteria provided, single submitter. Criteria: Ambry Autosomal Dominant and X-Linked criteria (10/2015). Collection method: clinical testing. Allele origin: germline. Observed: 1 variant allele.
Comment: The c.3113+2T>G intronic pathogenic mutation results from a T to G substitution two nucleotides after coding exon 23 in the NF1 gene. Another nucleotide change at this position, c.3113+2T>C, has been identified in a pt with clinical suspicionof NF1 and waspredicted to result in exon skipping (Pros E et al, Hum. Mutat. 2008 Sep; 29(9):E173-93). This nucleotide position is highly conserved in available vertebrate species. Using the BDGP and ESEfinder splice site prediction tools, the c.3113+2T>G alteration is predicted to abolish the native donor splice site; however, direct evidence is unavailable. In addition to the clinical data presented in the literature, since alterations that disrupt the canonical splice donor site are typically deleterious in nature, this alteration is interpreted as a disease-causing mutation (ACMG Recommendations for Standards for Interpretation and Reporting of Sequence Variations. Revision 2007. Genet Med. 2008;10:294).

Literature cited by the submitters: PubMed 16199547 (cited by Labcorp Genetics (formerly Invitae), Labcorp); PubMed 10712197 (cited by Labcorp Genetics (formerly Invitae), Labcorp); PubMed 23913538 (cited by Labcorp Genetics (formerly Invitae), Labcorp); PubMed 18546366 (cited by Ambry Genetics).

NM_001042492.3(NF1):c.3113+2T>G

Gene: NF1 (neurofibromin 1; plus strand). Cytogenetic location: 17q11.2.
Variant type: single nucleotide variant.
Coding change: c.3113+2T>G on transcript NM_001042492.3 (MANE Select); the canonical splice donor site of the intron after coding-DNA position 3113, T replaced by G.
Molecular consequence: splice donor variant.
Genome position (GRCh38, 1-based): chr17:31,230,384, T>G. VCF-style: chr17-31230384-T-G. GRCh37 (hg19) VCF-style: chr17-29557402-T-G.
Other names: c.3113+2T>G (NM_000267.4).
Identifiers: ClinVar variation 231169 (VCV000231169.14), dbSNP rs876658997, ClinGen allele CA10580275.